The following is an entry in ClinVar:

ClinVar aggregate classification (germline): Uncertain significance (1 of 4 stars; one submission).

Submission:

Women's Health and Genetics/Laboratory Corporation of America, LabCorp
Classification: Uncertain significance. Last evaluated: 2026-04-02. Review status: criteria provided, single submitter. Criteria: LabCorp Variant Classification Summary - May 2015. Collection method: clinical testing. Allele origin: germline.
Comment: Variant summary: PCSK9 c.658-2_667delinsCGGC is located in a canonical splice-site and is predicted to affect mRNA splicing resulting in a significantly altered protein due to either exon skipping, shortening, or inclusion of intronic material. Variants that disrupt the consensus splice site are a relatively common cause of aberrant splicing, however current evidence is not sufficient to establish loss of function as a mechanism for disease. Several computational tools predict a significant impact on normal splicing: Three predict the variant abolishes a 3' acceptor site. However, these predictions have yet to be confirmed by functional studies. The variant consists of two neighboring variants (c.658-2A>C and c.660_667del (p.S221*)) and these variants were found with about the same allele frequencies, i.e. 5e-06 in 1605912 control chromosomes in the gnomAD database (v4.1 dataset). The available data on variant occurrences in the general population are insufficient to allow any conclusion about variant significance. To our knowledge, no occurrence of c.658-2_667delinsCGGC in individuals affected with PCSK9-related conditions and no experimental evidence demonstrating its impact on protein function have been reported. The following publications have been ascertained in the context of this evaluation (PMID: 36723951, 35177841, 34758978, 34341098). No submitters have cited clinical-significance assessments for this variant to ClinVar. Based on the evidence outlined above, the variant was classified as uncertain significance.

Literature cited by the submitters: PubMed 35177841; PubMed 36723951; PubMed 34758978; PubMed 34341098.

NM_174936.4(PCSK9):c.658-2_667delinsCGGC

Gene: PCSK9 (proprotein convertase subtilisin/kexin type 9; plus strand). Cytogenetic location: 1p32.3.
Variant type: Indel.
Coding change: c.658-2_667delinsCGGC on transcript NM_174936.4 (MANE Select); the canonical splice acceptor site of the intron before coding-DNA position 658 through coding-DNA position 667, AGGCCAGCAAGT replaced by CGGC.
Molecular consequence: splice acceptor variant. On other transcripts: frameshift variant (1).
Genome position (GRCh38, 1-based): chr1:55,052,648-55,052,659, AGGCCAGCAAGT replaced by CGGC. VCF-style: chr1-55052648-AGGCCAGCAAGT-CGGC. GRCh37 (hg19) VCF-style: chr1-55518321-AGGCCAGCAAGT-CGGC.
Other names: c.659_670delinsCGGC, p.Gln220fs (NM_001407242.1); c.283-2_292delinsCGGC (NM_001407246.1); c.781-2_790delinsCGGC (NM_001407240.1); c.658-2_667delinsCGGC (NM_001407241.1, NM_001407244.1, NM_001407247.1); c.601-2_610delinsCGGC (NM_001407243.1); c.466-2_475delinsCGGC (NM_001407245.1); short protein forms Q220fs.
Identifiers: ClinVar variation 4848937 (VCV004848937.1).